The following is an entry in ClinVar:

NM_000245.4(MET):c.1124A>G (p.Asn375Ser)

Gene: MET (MET proto-oncogene, receptor tyrosine kinase; plus strand). Cytogenetic location: 7q31.2.
Variant type: single nucleotide variant.
Coding change: c.1124A>G on transcript NM_000245.4 (MANE Select); coding-DNA position 1124, A replaced by G.
Protein change: p.Asn375Ser; replaces asparagine 375 with serine.
Molecular consequence: missense variant. On other transcripts: intron variant (1).
Genome position (GRCh38, 1-based): chr7:116,700,208, A>G. VCF-style: chr7-116700208-A-G. GRCh37 (hg19) VCF-style: chr7-116340262-A-G.
Other names: c.1124A>G, p.Asn375Ser (NM_001127500.3, NM_001324401.3); c.-91+27631A>G (NM_001324402.2); short protein forms N375S.
Identifiers: ClinVar variation 41611 (VCV000041611.51), dbSNP rs33917957, ClinGen allele CA147073.

ClinVar aggregate classification (germline): Benign/Likely benign. Review status: criteria provided, multiple submitters, no conflicts (2 of 4 stars). 22 submissions from 22 submitters: Benign (16); Likely benign (1). 5 of the submissions do not count toward it. Last evaluated 2026-02-04.

Conditions:
Renal cell carcinoma. Identifiers: Orphanet 217071, MedGen C0007134, MeSH D002292, MONDO:0005086, HP:0005584.
Hereditary cancer-predisposing syndrome. Also called: Neoplastic Syndromes, Hereditary; Tumor predisposition; Hereditary Cancer Syndrome; Hereditary neoplastic syndrome. Identifiers: Orphanet 140162, MedGen C0027672, MeSH D009386, MONDO:0015356.
Papillary renal cell carcinoma type 1 (RCCP1). Also called: RENAL CELL CARCINOMA, PAPILLARY, 1, SOMATIC; Renal adenocarcinoma; Renal cell carcinoma 1; Renal cell carcinoma, somatic. Identifiers: Orphanet 47044, MedGen C1336839, OMIM 605074, HP:0011797.

Allele frequency attached by ClinVar (database versions not stated): TOPMed 0.01448; gnomAD exomes 0.02225 and 0.02704; 1000 Genomes Project 0.03295; gnomAD 0.01723 and 0.01935; ExAC 0.02826; 1000 Genomes Project 30x 0.03264; ESP Exome Variant Server 0.01459.
gnomAD v4.1: 35,053 of 1,594,672 alleles (2.2%); highest among the groups gnomAD compares: South Asian, 6.9%; 630 homozygotes.

Submissions (22):

Labcorp Genetics (formerly Invitae), Labcorp
Classification: Benign for Renal cell carcinoma. Last evaluated: 2026-02-04. Review status: criteria provided, single submitter. Criteria: Invitae Variant Classification Sherloc (09022015). Collection method: clinical testing. Allele origin: germline.

ARUP Laboratories, Molecular Genetics and Genomics, ARUP Laboratories
Classification: Benign. Last evaluated: 2025-06-17. Review status: criteria provided, single submitter. Criteria: ARUP Molecular Germline Variant Investigation Process 2024. Collection method: clinical testing. Allele origin: germline.

Center for Genomic Medicine, Rigshospitalet, Copenhagen University Hospital
Classification: Benign. Last evaluated: 2025-03-04. Review status: criteria provided, single submitter. Criteria: ACMG Guidelines, 2015. Collection method: clinical testing. Allele origin: germline.

Myriad Genetics, Inc.
Classification: Likely benign for Papillary renal cell carcinoma type 1. Last evaluated: 2024-11-07. Review status: criteria provided, single submitter. Criteria: Myriad Autosomal Dominant, Autosomal Recessive and X-Linked Classification Criteria (2023). Collection method: clinical testing. Allele origin: unknown.
Comment: This variant is considered likely benign. This variant has been observed at a population frequency that is significantly greater than expected given the associated disease prevalence and penetrance.

KCCC/NGS Laboratory, Kuwait Cancer Control Center
Classification: Benign for Papillary renal cell carcinoma type 1. Last evaluated: 2023-07-07. Review status: criteria provided, single submitter. Criteria: ACMG Guidelines, 2015. Collection method: clinical testing. Allele origin: germline. Affected: yes.

Department of Pathology and Laboratory Medicine, Sinai Health System
Classification: Benign for Papillary renal cell carcinoma type 1. Last evaluated: 2021-11-25. Review status: criteria provided, single submitter. Criteria: ACMG Guidelines, 2015. Collection method: clinical testing. Allele origin: germline. Affected: yes.

Sema4
Classification: Benign for Hereditary cancer-predisposing syndrome. Last evaluated: 2021-05-11. Review status: criteria provided, single submitter. Criteria: Sema4 Curation Guidelines. Collection method: curation. Allele origin: germline.

Mayo Clinic Laboratories, Mayo Clinic
Classification: Benign. Last evaluated: 2021-05-06. Review status: criteria provided, single submitter. Criteria: ACMG Guidelines, 2015. Collection method: clinical testing. Allele origin: germline. Observed: 12 variant alleles.

Athena Diagnostics
Classification: Benign. Last evaluated: 2018-11-05. Review status: criteria provided, single submitter. Criteria: Athena Diagnostics Criteria. Collection method: clinical testing. Allele origin: germline.

Quest Diagnostics Nichols Institute San Juan Capistrano
Classification: Benign. Last evaluated: 2018-11-05. Review status: criteria provided, single submitter. Criteria: Quest Diagnostics criteria. Collection method: clinical testing. Allele origin: unknown.

Illumina Laboratory Services, Illumina
Classification: Benign for Papillary renal cell carcinoma type 1. Last evaluated: 2018-01-13. Review status: criteria provided, single submitter. Criteria: ICSL Variant Classification Criteria 13 December 2019. Collection method: clinical testing. Allele origin: germline.
Comment: This variant was observed in the ICSL laboratory as part of a predisposition screen in an ostensibly healthy population. It had not been previously curated by ICSL or reported in the Human Gene Mutation Database (HGMD: prior to June 1st, 2018), and was therefore a candidate for classification through an automated scoring system. Utilizing variant allele frequency, disease prevalence and penetrance estimates, and inheritance mode, an automated score was calculated to assess if this variant is too frequent to cause the disease. Based on the score and internal cut-off values, a variant classified as benign is not then subjected to further curation. The score for this variant resulted in a classification of benign for this disease.

Women's Health and Genetics/Laboratory Corporation of America, LabCorp
Classification: Benign. Last evaluated: 2016-08-18. Review status: criteria provided, single submitter. Criteria: LabCorp Variant Classification Summary - May 2015. Collection method: clinical testing. Allele origin: germline.
Comment: Variant summary: The c.1124A>G (p.Asn375Ser) in MET gene is a missense change that involves a non-conserved nucleotide and 3/4 in silico tools predict benign outcome. The variant is present in the control population dataset of ExAC at an overall frequency 0.028 (3293/116530 chrs tested) including 105 homozygotes. This frequency exceeds the estimated maximum allele frequency for a pathogenic allele in this gene (0.0000015). The variant has not, to our knowledge, been reported in affected individuals, but is cited as Benign by a multiple reputable databases/clinical laboratories. Taking together, the variant was classified as Benign.

GeneDx
Classification: Benign. Last evaluated: 2016-01-29. Review status: criteria provided, single submitter. Criteria: GeneDx Variant Classification (06012015). Collection method: clinical testing. Allele origin: germline. Affected: yes.
Comment: This variant is considered likely benign or benign based on one or more of the following criteria: it is a conservative change, it occurs at a poorly conserved position in the protein, it is predicted to be benign by multiple in silico algorithms, and/or has population frequency not consistent with disease.

Ambry Genetics
Classification: Benign for Hereditary cancer-predisposing syndrome. Last evaluated: 2014-11-28. Review status: criteria provided, single submitter. Criteria: Ambry Variant Classification Scheme 2023. Collection method: clinical testing. Allele origin: germline.

Eurofins Ntd Llc (ga)
Classification: Benign. Last evaluated: 2013-10-15. Review status: criteria provided, single submitter. Criteria: EGL Classification Definitions 2015. Collection method: clinical testing. Allele origin: germline. Observed: 2 variant alleles, 2 heterozygotes.

Breakthrough Genomics
Classification: Benign. Review status: criteria provided, single submitter. Criteria: ACMG Guidelines, 2015. Collection method: not provided. Allele origin: germline. Inheritance: Autosomal recessive inheritance. Affected: yes.

PreventionGenetics, part of Exact Sciences
Classification: Benign. Review status: criteria provided, single submitter. Criteria: ACMG Guidelines, 2015. Collection method: clinical testing. Allele origin: germline.

ITMI
No classification provided. Condition: AllHighlyPenetrant. Last evaluated: 2013-09-19. Review status: no classification provided. Collection method: reference population. Allele origin: germline. Not counted in ClinVar's aggregate classification.
Comment: Please see associated publication for description of ethnicities

Biesecker Lab/Clinical Genomics Section, National Institutes of Health
Classification: Benign. Last evaluated: 2012-07-13. Review status: no assertion criteria provided. Collection method: research. Allele origin: germline. Affected: no. Observed: 25 variant alleles. Study: ClinSeq. Not counted in ClinVar's aggregate classification.
ClinVar note: Converted during submission from no known pathogenicity to Benign.

Clinical Genetics, Academic Medical Center
Classification: Benign. Review status: no assertion criteria provided. Collection method: clinical testing. Allele origin: germline. Affected: yes. Study: VKGL Data-share Consensus. Not counted in ClinVar's aggregate classification.

Genome Diagnostics Laboratory, Amsterdam University Medical Center
Classification: Benign. Review status: no assertion criteria provided. Collection method: clinical testing. Allele origin: germline. Affected: yes. Study: VKGL Data-share Consensus. Not counted in ClinVar's aggregate classification.

Joint Genome Diagnostic Labs from Nijmegen and Maastricht, Radboudumc and MUMC+
Classification: Benign. Review status: no assertion criteria provided. Collection method: clinical testing. Allele origin: germline. Affected: yes. Study: VKGL Data-share Consensus. Not counted in ClinVar's aggregate classification.

Literature cited by the submitters: PubMed 24728327 (cited by ITMI).